The following is an entry in ClinVar:

ClinVar aggregate classification (germline): Likely benign (1 of 4 stars; one submission).

Allele frequency attached by ClinVar (database versions not stated): TOPMed 0.00001; gnomAD 0.00003; ExAC 0.00006; 1000 Genomes Project 30x 0.00031; 1000 Genomes Project 0.00040.
gnomAD v4.1: 89 of 1,614,188 alleles (0.0055%); highest among the groups gnomAD compares: South Asian, 0.063%; no homozygotes.

Submission:

CeGaT Center for Human Genetics Tuebingen
Classification: Likely benign. Last evaluated: 2023-03-01. Review status: criteria provided, single submitter. Criteria: CeGaT Center For Human Genetics Tuebingen Variant Classification Criteria Version 2. Collection method: clinical testing. Allele origin: germline. Affected: yes. Observed: 1 variant allele.
Comment: PEX11A: BP4, BP7

NM_003847.3(PEX11A):c.480A>T (p.Ala160=)

Gene: PEX11A (peroxisomal biogenesis factor 11 alpha; minus strand). Cytogenetic location: 15q26.1.
Variant type: single nucleotide variant.
Coding change: c.480A>T on transcript NM_003847.3 (MANE Select); coding-DNA position 480, A replaced by T.
Protein change: p.Ala160=; no amino-acid change (alanine 160 retained).
Molecular consequence: synonymous variant.
Genome position (GRCh38, 1-based): chr15:89,683,641, T>A on the plus strand (A>T on the coding strand, the complement: PEX11A is on the minus strand). VCF-style: chr15-89683641-T-A. GRCh37 (hg19) VCF-style: chr15-90226872-T-A.
Other names: c.387A>T, p.Ala129= (NM_001271572.2); c.45A>T, p.Ala15= (NM_001271573.2).
Identifiers: ClinVar variation 2645696 (VCV002645696.24), dbSNP rs562275577, ClinGen allele CA7729245.